The following is an entry in ClinVar:

ClinVar aggregate classification (germline): Uncertain significance (1 of 4 stars; one submission).

Conditions:
Mowat-Wilson syndrome (MOWS). Also called: Classic Mowat-Wilson Syndrome. Identifiers: Orphanet 2152, MedGen C1856113, MONDO:0009341, OMIM 235730.

Allele frequency attached by ClinVar (database versions not stated): gnomAD exomes 0.00002 and 0.00001; TOPMed 0.00001; ExAC 0.00002.
gnomAD v4.1: 5 of 1,613,884 alleles (0.00031%); highest among the groups gnomAD compares: Admixed American, 0.0083%; no homozygotes.

Submission:

Labcorp Genetics (formerly Invitae), Labcorp
Classification: Uncertain significance for Mowat-Wilson syndrome. Last evaluated: 2025-10-01. Review status: criteria provided, single submitter. Criteria: Invitae Variant Classification Sherloc (09022015). Collection method: clinical testing. Allele origin: germline.
Comment: This sequence change replaces methionine, which is neutral and non-polar, with leucine, which is neutral and non-polar, at codon 476 of the ZEB2 protein (p.Met476Leu). This variant is present in population databases (rs778246270, gnomAD 0.01%). This variant has not been reported in the literature in individuals affected with ZEB2-related conditions. ClinVar contains an entry for this variant (Variation ID: 534642). Invitae Evidence Modeling incorporating data from in vitro experimental studies (internal data) indicates that this missense variant is not expected to disrupt ZEB2 function with a negative predictive value of 95%. In summary, the available evidence is currently insufficient to determine the role of this variant in disease. Therefore, it has been classified as a Variant of Uncertain Significance.

NM_014795.4(ZEB2):c.1426A>C (p.Met476Leu)

Gene: ZEB2 (zinc finger E-box binding homeobox 2; minus strand). Cytogenetic location: 2q22.3.
Variant type: single nucleotide variant.
Coding change: c.1426A>C on transcript NM_014795.4 (MANE Select); coding-DNA position 1426, A replaced by C.
Protein change: p.Met476Leu; replaces methionine 476 with leucine.
Molecular consequence: missense variant.
Genome position (GRCh38, 1-based): chr2:144,399,761, T>G on the plus strand (A>C on the coding strand, the complement: ZEB2 is on the minus strand). VCF-style: chr2-144399761-T-G. GRCh37 (hg19) VCF-style: chr2-145157328-T-G.
Other names: c.1354A>C, p.Met452Leu (NM_001171653.2); short protein forms M476L, M452L.
Identifiers: ClinVar variation 534642 (VCV000534642.7), dbSNP rs778246270, ClinGen allele CA1898339.